The following is an entry in ClinVar:

ClinVar aggregate classification (germline): Uncertain significance (1 of 4 stars; one submission).

Submission:

GeneDx
Classification: Uncertain significance. Last evaluated: 2024-09-11. Review status: criteria provided, single submitter. Criteria: GeneDx Variant Classification Process June 2021. Collection method: clinical testing. Allele origin: germline. Affected: yes.
Comment: Not observed at significant frequency in large population cohorts (gnomAD); In silico analysis supports that this missense variant has a deleterious effect on protein structure/function; Has not been previously published as pathogenic or benign to our knowledge

NM_015365.3(AMMECR1):c.962G>A (p.Gly321Asp)

Gene: AMMECR1 (AMMECR nuclear protein 1; minus strand). Cytogenetic location: Xq23.
Variant type: single nucleotide variant.
Coding change: c.962G>A on transcript NM_015365.3 (MANE Select); coding-DNA position 962, G replaced by A.
Protein change: p.Gly321Asp; replaces glycine 321 with aspartic acid.
Molecular consequence: missense variant.
Genome position (GRCh38, 1-based): chrX:110,198,560, C>T on the plus strand (G>A on the coding strand, the complement: AMMECR1 is on the minus strand). VCF-style: chrX-110198560-C-T. GRCh37 (hg19) VCF-style: chrX-109441788-C-T.
Other names: c.851G>A, p.Gly284Asp (NM_001025580.2); c.593G>A, p.Gly198Asp (NM_001171689.2); short protein forms G198D, G284D, G321D.
Identifiers: ClinVar variation 3770025 (VCV003770025.1).